The following is an entry in ClinVar:

NM_001364564.1(SALL2):c.292C>G (p.Pro98Ala)

Gene: SALL2 (spalt like transcription factor 2; minus strand). Cytogenetic location: 14q11.2.
Variant type: single nucleotide variant.
Coding change: c.292C>G on transcript NM_001364564.1 (MANE Select); coding-DNA position 292, C replaced by G.
Protein change: p.Pro98Ala; replaces proline 98 with alanine.
Molecular consequence: missense variant. On other transcripts: non-coding transcript variant (2).
Genome position (GRCh38, 1-based): chr14:21,525,430, G>C on the plus strand (C>G on the coding strand, the complement: SALL2 is on the minus strand). VCF-style: chr14-21525430-G-C. GRCh37 (hg19) VCF-style: chr14-21993564-G-C.
Other names: c.298C>G, p.Pro100Ala (NM_001291446.2, NM_005407.3); c.292C>G, p.Pro98Ala (NM_001291447.2); short protein forms P100A, P98A.
Identifiers: ClinVar variation 3032497 (VCV003032497.2), dbSNP rs113576019, ClinGen allele CA7093876.

ClinVar aggregate classification (germline): Likely benign (0 of 4 stars; one submission).

Conditions:
SALL2-related disorder. Also called: SALL2-related condition.

Allele frequency attached by ClinVar (database versions not stated): ExAC 0.00015; 1000 Genomes Project 0.00040; ESP Exome Variant Server 0.00046; 1000 Genomes Project 30x 0.00047; gnomAD 0.00062; TOPMed 0.00064.
gnomAD v4.1: 194 of 1,613,982 alleles (0.012%); highest among the groups gnomAD compares: African/African-American, 0.22%; no homozygotes.

Submission:

PreventionGenetics, part of Exact Sciences
Classification: Likely benign for SALL2-related condition. Last evaluated: 2023-04-20. Review status: no assertion criteria provided. Collection method: clinical testing. Allele origin: germline.
Comment: This variant is classified as likely benign based on ACMG/AMP sequence variant interpretation guidelines (Richards et al. 2015 PMID: 25741868, with internal and published modifications).